The following is an entry in ClinVar:

NM_199420.4(POLQ):c.3625A>C (p.Lys1209Gln)

Gene: POLQ (DNA polymerase theta; minus strand). Cytogenetic location: 3q13.33.
Variant type: single nucleotide variant.
Coding change: c.3625A>C on transcript NM_199420.4 (MANE Select); coding-DNA position 3625, A replaced by C.
Protein change: p.Lys1209Gln; replaces lysine 1209 with glutamine.
Molecular consequence: missense variant.
Genome position (GRCh38, 1-based): chr3:121,489,306, T>G on the plus strand (A>C on the coding strand, the complement: POLQ is on the minus strand). VCF-style: chr3-121489306-T-G. GRCh37 (hg19) VCF-style: chr3-121208153-T-G.
Other names: short protein forms K1209Q.
Identifiers: ClinVar variation 1733363 (VCV001733363.3), dbSNP rs749100714, ClinGen allele CA354098591.

ClinVar aggregate classification (germline): Uncertain significance (1 of 4 stars; one submission).

Submission:

Ambry Genetics
Classification: Uncertain significance. Last evaluated: 2024-04-19. Review status: criteria provided, single submitter. Criteria: Ambry Variant Classification Scheme 2023. Collection method: clinical testing. Allele origin: germline.
Comment: The p.K1209Q variant (also known as c.3625A>C), located in coding exon 16 of the POLQ gene, results from an A to C substitution at nucleotide position 3625. The lysine at codon 1209 is replaced by glutamine, an amino acid with similar properties. This amino acid position is conserved. In addition, this alteration is predicted to be tolerated by in silico analysis. Since supporting evidence is limited at this time, the clinical significance of this alteration remains unclear.